The following is an entry in ClinVar:

ClinVar aggregate classification (germline): Uncertain significance. Review status: criteria provided, multiple submitters, no conflicts (2 of 4 stars). 2 submissions from 2 submitters: Uncertain significance (2). Last evaluated 2023-10-30.

Conditions:
Long QT syndrome (LQTS). Identifiers: MedGen C0023976, MeSH D008133, MONDO:0002442. Disease mechanism: loss of function. Inheritance: Various modes of inheritance.

gnomAD v4.1: 1 of 1,613,712 alleles (0.000062%); highest among the groups gnomAD compares: Non-Finnish European, 0.000085%; no homozygotes.

Submissions (2):

Labcorp Genetics (formerly Invitae), Labcorp
Classification: Uncertain significance for Long QT syndrome. Last evaluated: 2023-10-30. Review status: criteria provided, single submitter. Criteria: Invitae Variant Classification Sherloc (09022015). Collection method: clinical testing. Allele origin: germline.
Comment: This sequence change replaces proline, which is neutral and non-polar, with threonine, which is neutral and polar, at codon 731 of the ANK2 protein (p.Pro731Thr). This variant is not present in population databases (gnomAD no frequency). This variant has not been reported in the literature in individuals affected with ANK2-related conditions. ClinVar contains an entry for this variant (Variation ID: 684847). Advanced modeling of protein sequence and biophysical properties (such as structural, functional, and spatial information, amino acid conservation, physicochemical variation, residue mobility, and thermodynamic stability) has been performed at Invitae for this missense variant, however the output from this modeling did not meet the statistical confidence thresholds required to predict the impact of this variant on ANK2 protein function. In summary, the available evidence is currently insufficient to determine the role of this variant in disease. Therefore, it has been classified as a Variant of Uncertain Significance.

Molecular Diagnostic Laboratory for Inherited Cardiovascular Disease, Montreal Heart Institute
Classification: Uncertain significance. Review status: criteria provided, single submitter. Criteria: ACMG Guidelines, 2015. Collection method: clinical testing. Allele origin: germline. Affected: yes.

NM_001148.6(ANK2):c.2191C>A (p.Pro731Thr)

Gene: ANK2 (ankyrin 2; plus strand). Cytogenetic location: 4q26.
Variant type: single nucleotide variant.
Coding change: c.2191C>A on transcript NM_001148.6 (MANE Select); coding-DNA position 2191, C replaced by A.
Protein change: p.Pro731Thr; replaces proline 731 with threonine.
Molecular consequence: missense variant.
Genome position (GRCh38, 1-based): chr4:113,288,400, C>A. VCF-style: chr4-113288400-C-A. GRCh37 (hg19) VCF-style: chr4-114209556-C-A.
Other names: c.2104C>A, p.Pro702Thr (NM_001354264.2, NM_001354266.2, NM_001354267.2 and 10 more transcripts); c.2191C>A, p.Pro731Thr (NM_001354265.2, NM_001354246.2, NM_001354225.2 and 6 more transcripts); c.2092C>A, p.Pro698Thr (NM_001354268.2, NM_001354245.2); c.1981C>A, p.Pro661Thr (NM_001354269.3); c.2029C>A, p.Pro677Thr (NM_001354270.2, NM_001386156.1, NM_001354253.2 and 1 more transcripts); c.2005C>A, p.Pro669Thr (NM_001354271.2, NM_001386151.1, NM_001354260.2); c.2128C>A, p.Pro710Thr (NM_001354272.2, NM_001354239.2, NM_001354243.2 and 10 more transcripts); c.1993C>A, p.Pro665Thr (NM_001354273.2); and 8 more; short protein forms P636T, P661T, P665T, P669T, P677T, P698T, P702T, P710T.
Identifiers: ClinVar variation 684847 (VCV000684847.5), dbSNP rs942680150, ClinGen allele CA103792724.